The following is an entry in ClinVar:

ClinVar aggregate classification (germline): Uncertain significance (1 of 4 stars; one submission).

Allele frequency attached by ClinVar (database versions not stated): TOPMed 0.00002; gnomAD 0.00003; 1000 Genomes Project 30x 0.00047; 1000 Genomes Project 0.00060.
gnomAD v4.1: 13 of 1,577,574 alleles (0.00082%); highest among the groups gnomAD compares: East Asian, 0.019%; no homozygotes.

Submission:

Women's Health and Genetics/Laboratory Corporation of America, LabCorp
Classification: Uncertain significance. Last evaluated: 2025-06-29. Review status: criteria provided, single submitter. Criteria: LabCorp Variant Classification Summary - May 2015. Collection method: clinical testing. Allele origin: germline.
Comment: Variant summary: SPRED1 c.-12G>C is located in the untranslated mRNA region upstream of the initiation codon. The variant allele was found at a frequency of 2.6e-05 in 195970 control chromosomes. The available data on variant occurrences in the general population are insufficient to allow any conclusion about variant significance. To our knowledge, no occurrence of c.-12G>C in individuals affected with Noonan Syndrome And Related Conditions and no experimental evidence demonstrating its impact on protein function have been reported. ClinVar contains an entry for this variant (Variation ID: 928827). Based on the evidence outlined above, the variant was classified as uncertain significance.

NM_152594.3(SPRED1):c.-12G>C

Gene: SPRED1 (sprouty related EVH1 domain containing 1; plus strand). Cytogenetic location: 15q14.
Variant type: single nucleotide variant.
Coding change: c.-12G>C on transcript NM_152594.3 (MANE Select); 12 bases upstream of the start codon, G replaced by C.
Molecular consequence: 5 prime UTR variant.
Genome position (GRCh38, 1-based): chr15:38,253,174, G>C. VCF-style: chr15-38253174-G-C. GRCh37 (hg19) VCF-style: chr15-38545375-G-C.
Identifiers: ClinVar variation 928827 (VCV000928827.2), dbSNP rs371200183, ClinGen allele CA7469946.